The following is an entry in ClinVar:

NM_015102.5(NPHP4):c.1169G>A (p.Arg390His)

Gene: NPHP4 (nephrocystin 4; minus strand). Cytogenetic location: 1p36.31.
Variant type: single nucleotide variant.
Coding change: c.1169G>A on transcript NM_015102.5 (MANE Select); coding-DNA position 1169, G replaced by A.
Protein change: p.Arg390His; replaces arginine 390 with histidine.
Molecular consequence: missense variant. On other transcripts: 5 prime UTR variant (2), non-coding transcript variant (1).
Genome position (GRCh38, 1-based): chr1:5,933,280, C>T on the plus strand (G>A on the coding strand, the complement: NPHP4 is on the minus strand). VCF-style: chr1-5933280-C-T. GRCh37 (hg19) VCF-style: chr1-5993340-C-T.
Other names: c.1169G>A (NM_015102.3); c.-198G>A (NM_001291593.2, NM_001291594.2); short protein forms R390H.
Identifiers: ClinVar variation 1022837 (VCV001022837.10), dbSNP rs146637048, ClinGen allele CA554601.

ClinVar aggregate classification (germline): Conflicting classifications of pathogenicity. Review status: criteria provided, conflicting classifications (1 of 4 stars). 3 submissions from 3 submitters: Uncertain significance (2); Likely benign (1). Last evaluated 2025-02-19.

Conditions:
Inborn genetic diseases. Identifiers: MedGen C0950123, MeSH D030342.
Nephronophthisis. Also called: Juvenile Nephronophthisis. Identifiers: Orphanet 655, MedGen C0687120, MONDO:0019005, HP:0000090.
Senior-Loken syndrome 4 (SLSN4). Identifiers: Orphanet 3156, MedGen C1846979, MONDO:0011756, OMIM 606996.
Nephronophthisis 4 (NPHP4). Also called: NEPHRONOPHTHISIS 4, JUVENILE. Identifiers: Orphanet 655, MedGen C1847013, MONDO:0011752, OMIM 606966.

Allele frequency attached by ClinVar (database versions not stated): gnomAD exomes 0.00006; TOPMed 0.00007; ExAC 0.00008; 1000 Genomes Project 30x 0.00016; 1000 Genomes Project 0.00020.
gnomAD v4.1: 71 of 1,613,630 alleles (0.0044%); highest among the groups gnomAD compares: East Asian, 0.11%; no homozygotes.

Submissions (3):

Ambry Genetics
Classification: Uncertain significance for Inborn genetic diseases. Last evaluated: 2025-02-19. Review status: criteria provided, single submitter. Criteria: Ambry Variant Classification Scheme 2023. Collection method: clinical testing. Allele origin: germline.

3billion
Classification: Likely benign for Nephronophthisis 4; Senior-Loken syndrome 4. Last evaluated: 2024-09-20. Review status: criteria provided, single submitter. Criteria: ACMG Guidelines, 2015. Collection method: clinical testing. Allele origin: germline. Affected: no.
Comment: The homozygous variant was found in patients diagnosed with another variant in a different gene, with no symptoms related to the gene containing the homozygous variant.

Labcorp Genetics (formerly Invitae), Labcorp
Classification: Uncertain significance for Nephronophthisis. Last evaluated: 2023-08-17. Review status: criteria provided, single submitter. Criteria: Invitae Variant Classification Sherloc (09022015). Collection method: clinical testing. Allele origin: germline.
Comment: This variant is present in population databases (rs146637048, gnomAD 0.06%). This sequence change replaces arginine, which is basic and polar, with histidine, which is basic and polar, at codon 390 of the NPHP4 protein (p.Arg390His). In summary, the available evidence is currently insufficient to determine the role of this variant in disease. Therefore, it has been classified as a Variant of Uncertain Significance. Advanced modeling of protein sequence and biophysical properties (such as structural, functional, and spatial information, amino acid conservation, physicochemical variation, residue mobility, and thermodynamic stability) performed at Invitae indicates that this missense variant is expected to disrupt NPHP4 protein function. ClinVar contains an entry for this variant (Variation ID: 1022837). This variant has not been reported in the literature in individuals affected with NPHP4-related conditions.